The following is an entry in ClinVar:

NM_001267550.2(TTN):c.19922C>A (p.Thr6641Asn)

Genes: TTN (titin; minus strand), LOC126806429 (BRD4-independent group 4 enhancer GRCh37_chr2:179591393-179592592; plus strand). Cytogenetic location: 2q31.2.
Variant type: single nucleotide variant.
Coding change: c.19922C>A on transcript NM_001267550.2 (MANE Select); coding-DNA position 19922, C replaced by A.
Protein change: p.Thr6641Asn; replaces threonine 6641 with asparagine.
Molecular consequence: missense variant. On other transcripts: intron variant (3).
Genome position (GRCh38, 1-based): chr2:178,727,656, G>T on the plus strand (C>A on the coding strand, the complement: TTN is on the minus strand). VCF-style: chr2-178727656-G-T. GRCh37 (hg19) VCF-style: chr2-179592383-G-T.
Other names: p.T6324N:ACT>AAT; p.Thr6324Asn; c.18971C>A, p.Thr6324Asn (NM_001256850.1); c.16190C>A, p.Thr5397Asn (NM_133378.4); c.13282+10426C>A (NM_003319.4); c.13858+10426C>A (NM_133437.4); c.13657+10426C>A (NM_133432.3); short protein forms T6324N, T6641N, T5397N.
Identifiers: ClinVar variation 203281 (VCV000203281.32), dbSNP rs747240394, ClinGen allele CA311907.

ClinVar aggregate classification (germline): Conflicting classifications of pathogenicity. Review status: criteria provided, conflicting classifications (1 of 4 stars). 9 submissions from 9 submitters: Uncertain significance (2); Likely benign (6). 1 of the submissions does not count toward it. Last evaluated 2026-02-03.

Conditions:
TTN-related disorder. Also called: TTN-related condition; TTN-related disease; TTN-related disorders.
Autosomal recessive limb-girdle muscular dystrophy type 2J (LGMDR10). Also called: Limb-girdle muscular dystrophy, type 2J; MUSCULAR DYSTROPHY, LIMB-GIRDLE, AUTOSOMAL RECESSIVE 10. Identifiers: Orphanet 140922, MedGen C1837342, MONDO:0012127, OMIM 608807.
Dilated cardiomyopathy 1G (CMD1G). Identifiers: Orphanet 154, MedGen C1858763, MONDO:0011400, OMIM 604145.
Cardiomyopathy (CMYO). Also called: Cardiomyopathies. Identifiers: Orphanet 167848, MedGen C0878544, MONDO:0004994, HP:0001638. Inheritance: Various modes of inheritance.

Allele frequency attached by ClinVar (database versions not stated): gnomAD 0.00003; TOPMed 0.00010; gnomAD exomes 0.00014 and 0.00033; ExAC 0.00033.
gnomAD v4.1: 96 of 1,612,778 alleles (0.006%); highest among the groups gnomAD compares: Admixed American, 0.16%; no homozygotes.

Submissions (9):

Labcorp Genetics (formerly Invitae), Labcorp
Classification: Likely benign for Dilated cardiomyopathy 1G; Autosomal recessive limb-girdle muscular dystrophy type 2J. Last evaluated: 2026-02-03. Review status: criteria provided, single submitter. Criteria: Invitae Variant Classification Sherloc (09022015). Collection method: clinical testing. Allele origin: germline.

CeGaT Center for Human Genetics Tuebingen
Classification: Uncertain significance. Last evaluated: 2026-02-01. Review status: criteria provided, single submitter. Criteria: CeGaT Center For Human Genetics Tuebingen Variant Classification Criteria Version 2. Collection method: clinical testing. Allele origin: germline. Affected: yes. Observed: 1 variant allele.
Comment: TTN: PM2

Mayo Clinic Laboratories, Mayo Clinic
Classification: Likely benign. Last evaluated: 2025-07-16. Review status: criteria provided, single submitter. Criteria: ACMG Guidelines, 2015. Collection method: clinical testing. Allele origin: germline. Observed: 2 variant alleles.
Comment: BS1, BP4_moderate

Revvity Omics, Revvity
Classification: Likely benign. Last evaluated: 2023-10-23. Review status: criteria provided, single submitter. Criteria: ACMG Guidelines, 2015. Collection method: clinical testing. Allele origin: germline.

Center for Advanced Laboratory Medicine, UC San Diego Health, University of California San Diego
Classification: Likely benign for Cardiomyopathy. Last evaluated: 2018-09-04. Review status: criteria provided, single submitter. Criteria: ACMG Guidelines, 2015. Collection method: clinical testing. Allele origin: germline. Affected: yes. Observed: 1 variant allele.

GeneDx
Classification: Uncertain significance. Last evaluated: 2016-09-21. Review status: criteria provided, single submitter. Criteria: GeneDx Variant Classification (06012015). Collection method: clinical testing. Allele origin: germline. Affected: yes.
Comment: Missense variants in the TTN gene are considered 'unclassified' if they are not previously reported in the literature and do not have >1% frequency in the population to be considered a polymorphism. Research indicates that truncating mutations in the TTN gene are expected to account for approximately 25% of familial and 18% of sporadic idiopathic DCM; however, truncating variants in the TTN gene have been reported in approximately 3% of reported control alleles. There has been little investigation into non-truncating variants. (Herman D et al. Truncations of titin causing dilated cardiomyopathy. N Eng J Med 366:619-628, 2012) The variant is found in DCM panel(s).

Laboratory for Molecular Medicine, Mass General Brigham Personalized Medicine
Classification: Likely benign. Last evaluated: 2015-11-12. Review status: criteria provided, single submitter. Criteria: LMM Criteria. Collection method: clinical testing. Allele origin: germline. Observed: 1 variant allele.
Comment: p.Thr5397Asn in exon 65 of TTN: This variant is not expected to have clinical si gnificance because it has been identified in 0.33% (38/11558) of Latino chromoso mes by the Exome Aggregation Consortium (ExAC).

Eurofins Ntd Llc (ga)
Classification: Likely benign. Last evaluated: 2015-10-02. Review status: criteria provided, single submitter. Criteria: EGL Classification Definitions 2015. Collection method: clinical testing. Allele origin: germline. Observed: 1 variant allele, 1 heterozygote.

PreventionGenetics, part of Exact Sciences
Classification: Likely benign for TTN-related condition. Last evaluated: 2022-08-24. Review status: no assertion criteria provided. Collection method: clinical testing. Allele origin: germline. Not counted in ClinVar's aggregate classification.
Comment: This variant is classified as likely benign based on ACMG/AMP sequence variant interpretation guidelines (Richards et al. 2015 PMID: 25741868, with internal and published modifications).